The following is an entry in ClinVar:

ClinVar aggregate classification (germline): Uncertain significance (1 of 4 stars; one submission).

Submission:

Labcorp Genetics (formerly Invitae), Labcorp
Classification: Uncertain significance. Last evaluated: 2025-11-28. Review status: criteria provided, single submitter. Criteria: Invitae Variant Classification Sherloc (09022015). Collection method: clinical testing. Allele origin: germline.
Comment: This sequence change replaces tyrosine, which is neutral and polar, with cysteine, which is neutral and slightly polar, at codon 889 of the NPHS1 protein (p.Tyr889Cys). This variant is not present in population databases (gnomAD no frequency). This variant has not been reported in the literature in individuals affected with NPHS1-related conditions. An algorithm developed to predict the effect of missense changes on protein structure and function (PolyPhen-2) suggests that this variant is likely to be disruptive. In summary, the available evidence is currently insufficient to determine the role of this variant in disease. Therefore, it has been classified as a Variant of Uncertain Significance.

NM_004646.4(NPHS1):c.2666A>G (p.Tyr889Cys)

Gene: NPHS1 (NPHS1 adhesion molecule, nephrin; minus strand). Cytogenetic location: 19q13.12.
Variant type: single nucleotide variant.
Coding change: c.2666A>G on transcript NM_004646.4 (MANE Select); coding-DNA position 2666, A replaced by G.
Protein change: p.Tyr889Cys; replaces tyrosine 889 with cysteine.
Molecular consequence: missense variant.
Genome position (GRCh38, 1-based): chr19:35,841,864, T>C on the plus strand (A>G on the coding strand, the complement: NPHS1 is on the minus strand). VCF-style: chr19-35841864-T-C. GRCh37 (hg19) VCF-style: chr19-36332766-T-C.
Other names: short protein forms Y889C.
Identifiers: ClinVar variation 4724119 (VCV004724119.1).
Genomic context (GRCh38, chr19:35,841,864, plus strand): 5'-ACGTTGGCAATGGTCAGGAGGCTGCTGTGGACACCACCCTGGTGGTATGTGTGCTCCGTG[T>C]ACCTAGAGAGAAGGTAGGGCACCACTCACCCTTCCATTCACCCAACCACTTATGCTTGGA-3'
Protein context (NP_004637.1, residues 879-899): GVPLDLQDPR[Tyr889Cys]TEHTYHQGGV